The following is an entry in ClinVar:

ClinVar aggregate classification (germline): Uncertain significance (1 of 4 stars; one submission).

Conditions:
Inborn genetic diseases. Identifiers: MedGen C0950123, MeSH D030342.

Submission:

Ambry Genetics
Classification: Uncertain significance for Inborn genetic diseases. Last evaluated: 2017-05-24. Review status: criteria provided, single submitter. Criteria: Ambry Variant Classification Scheme 2023. Collection method: clinical testing. Allele origin: germline.
Comment: The p.L1311R variant (also known as c.3932T>G), located in coding exon 20 of the SCN2A gene, results from a T to G substitution at nucleotide position 3932. The leucine at codon 1311 is replaced by arginine, an amino acid with dissimilar properties. This amino acid position is highly conserved in available vertebrate species. In addition, this alteration is predicted to be deleterious by in silico analysis. Since supporting evidence is limited at this time, the clinical significance of this alteration remains unclear.

NM_001040142.2(SCN2A):c.3932T>G (p.Leu1311Arg)

Gene: SCN2A (sodium voltage-gated channel alpha subunit 2; plus strand). Cytogenetic location: 2q24.3.
Variant type: single nucleotide variant.
Coding change: c.3932T>G on transcript NM_001040142.2 (MANE Select); coding-DNA position 3932, T replaced by G.
Protein change: p.Leu1311Arg; replaces leucine 1311 with arginine.
Molecular consequence: missense variant.
Genome position (GRCh38, 1-based): chr2:165,373,307, T>G. VCF-style: chr2-165373307-T-G. GRCh37 (hg19) VCF-style: chr2-166229817-T-G.
Other names: c.3932T>G, p.Leu1311Arg (NM_001040143.2, NM_001371246.1, NM_001371247.1 and 1 more transcripts); short protein forms L1311R.
Identifiers: ClinVar variation 589780 (VCV000589780.5), dbSNP rs1559397843, ClinGen allele CA349029316.